The following is an entry in ClinVar:

NM_001365951.3(KIF1B):c.3810del (p.Val1271fs)

Gene: KIF1B (kinesin family member 1B; plus strand). Cytogenetic location: 1p36.22.
Variant type: Deletion.
Coding change: c.3810del on transcript NM_001365951.3 (MANE Select); coding-DNA position 3810, one base deleted (T; older notation c.3810delT).
Protein change: p.Val1271fs; shifts the reading frame from valine 1271.
Molecular consequence: frameshift variant.
Genome position (GRCh38, 1-based): chr1:10,347,773, T deleted. VCF-style (leftmost placement, unchanged base first): chr1-10347772-CT-C. GRCh37 (hg19) VCF-style: chr1-10407830-CT-C.
Other names: c.3810del, p.Val1271fs (NM_001365952.1); c.3672del, p.Val1225fs (NM_015074.3); c.3672delT (NM_015074.3); short protein forms V1271fs, V1225fs.
Identifiers: ClinVar variation 1733804 (VCV001733804.2), dbSNP rs2521791717, ClinGen allele CA2580060464.
Genomic context (GRCh38, chr1:10,347,772, plus strand): 5'-TGCAGATGAAGTAGCACTTAGTTTTTTCTTTTGCGTTTCTATTTTTTAGGTATATCCCAG[CT>C]GTGGTTGACCACACAGCAGGCTTGCCTTGCCAGGGGACATTTTTGCTTCATCAGGTACTA-3'

ClinVar aggregate classification (germline): Uncertain significance (1 of 4 stars; one submission).

Submission:

Ambry Genetics
Classification: Uncertain significance. Last evaluated: 2021-03-25. Review status: criteria provided, single submitter. Criteria: Ambry Variant Classification Scheme 2023. Collection method: clinical testing. Allele origin: germline.
Comment: The c.3672delT variant, located in coding exon 33 of the KIF1B gene, results from a deletion of one nucleotide at nucleotide position 3672, causing a translational frameshift with a predicted alternate stop codon (p.V1225Wfs*26). This alteration is expected to result in premature protein truncation or nonsense-mediated mRNA decay. However, the gene-disease association for KIF1B is limited. Since supporting evidence is limited at this time, the clinical significance of this alteration remains unclear.